The following is an entry in ClinVar:

NM_000112.4(SLC26A2):c.840dup (p.Asn281Ter)

Gene: SLC26A2 (solute carrier family 26 member 2; plus strand). Cytogenetic location: 5q32.
Variant type: Duplication.
Coding change: c.840dup on transcript NM_000112.4 (MANE Select); coding-DNA position 840, one base duplicated (T; older notation c.840dupT).
Protein change: p.Asn281Ter; replaces asparagine 281 with a stop codon.
Molecular consequence: nonsense.
Genome position (GRCh38, 1-based): chr5:149,980,433, T duplicated. VCF-style (leftmost placement, unchanged base first): chr5-149980432-C-CT. GRCh37 (hg19) VCF-style: chr5-149359995-C-CT.
Other names: short protein forms N281*.
Identifiers: ClinVar variation 2100679 (VCV002100679.4), dbSNP rs2480774362, ClinGen allele CA2580073910.
Genomic context (GRCh38, chr5:149,980,432, plus strand): 5'-CCTCCTTCACTATTCTTACATCTCAGGCCAAGTATCTTCTTGGGCTCAACCTTCCTCGGA[C>CT]TAATGGTGTGGGCTCACTCATCACTACCTGGATACATGTCTTCAGAAACATCCATAAGAC-3'

ClinVar aggregate classification (germline): Pathogenic (1 of 4 stars; one submission).

Conditions:
Achondrogenesis, type IB (ACG1B). Also called: Achondrogenesis Type 1B. Identifiers: Orphanet 932, Orphanet 93298, MedGen C0265274, MONDO:0010966, OMIM 600972.
Diastrophic dysplasia (DTD). Also called: Diastrophic dwarfism. Identifiers: Orphanet 628, MedGen C0220726, MONDO:0009107, OMIM 222600.
Multiple epiphyseal dysplasia type 4 (EDM4). Also called: Multiple Epiphyseal Dysplasia, Recessive; MULTIPLE EPIPHYSEAL DYSPLASIA WITH BILAYERED PATELLAE; MULTIPLE EPIPHYSEAL DYSPLASIA WITH CLUBFOOT; MULTIPLE EPIPHYSEAL DYSPLASIA, AUTOSOMAL RECESSIVE; SLC26A2-Related Multiple Epiphyseal Dysplasia. Identifiers: Orphanet 93307, MedGen C1847593, MONDO:0009189, OMIM 226900.
Atelosteogenesis type II (AO2). Also called: NEONATAL OSSEOUS DYSPLASIA I; SLC26A2-Related Atelosteogenesis; Neonatal osseous dysplasia 1. Identifiers: Orphanet 56304, MedGen C1850554, MONDO:0009727, OMIM 256050.

Submission:

Labcorp Genetics (formerly Invitae), Labcorp
Classification: Pathogenic for Atelosteogenesis type II; Multiple epiphyseal dysplasia type 4; Achondrogenesis, type IB; Diastrophic dysplasia. Last evaluated: 2024-07-12. Review status: criteria provided, single submitter. Criteria: Invitae Variant Classification Sherloc (09022015). Collection method: clinical testing. Allele origin: germline.
Comment: This sequence change creates a premature translational stop signal (p.Asn281*) in the SLC26A2 gene. While this is not anticipated to result in nonsense mediated decay, it is expected to disrupt the last 459 amino acid(s) of the SLC26A2 protein. This variant is not present in population databases (gnomAD no frequency). This variant has not been reported in the literature in individuals affected with SLC26A2-related conditions. ClinVar contains an entry for this variant (Variation ID: 2100679). This variant disrupts a region of the SLC26A2 protein in which other variant(s) (p.Ala715Val) have been determined to be pathogenic (PMID: 8571951, 21077204, 21922596; Invitae). This suggests that this is a clinically significant region of the protein, and that variants that disrupt it are likely to be disease-causing. For these reasons, this variant has been classified as Pathogenic.

Literature cited by the submitters: PubMed 8571951; PubMed 21077204; PubMed 21922596.